The following is an entry in ClinVar:

NM_004006.3(DMD):c.739G>A (p.Ala247Thr)

Gene: DMD (dystrophin; minus strand). Cytogenetic location: Xp21.1.
Variant type: single nucleotide variant.
Coding change: c.739G>A on transcript NM_004006.3 (MANE Select); coding-DNA position 739, G replaced by A.
Protein change: p.Ala247Thr; replaces alanine 247 with threonine.
Molecular consequence: missense variant.
Genome position (GRCh38, 1-based): chrX:32,699,204, C>T on the plus strand (G>A on the coding strand, the complement: DMD is on the minus strand). VCF-style: chrX-32699204-C-T. GRCh37 (hg19) VCF-style: chrX-32717321-C-T.
Other names: c.370G>A, p.Ala124Thr (NM_004010.3); c.715G>A, p.Ala239Thr (NM_000109.4); c.727G>A, p.Ala243Thr (NM_004009.3); short protein forms A124T, A239T, A243T, A247T.
Identifiers: ClinVar variation 955857 (VCV000955857.7), dbSNP rs1468818043, ClinGen allele CA412668989.
Genomic context (GRCh38, chrX:32,699,204, plus strand): 5'-GAAAATGTTCTTCTTTAGTCACTTTAGGTGGCCTTGGCAACATTTCCACTTCCTGGATGG[C>T]TTCAATGCTCACTTGTTGAGGCAAAACTTGGAAGAGTGATGTGATGTACATTAAGATGGA-3'
Protein context (NP_003997.2, residues 237-257): QVLPQQVSIE[Ala247Thr]IQEVEMLPRP

ClinVar aggregate classification (germline): Uncertain significance. Review status: criteria provided, single submitter (1 of 4 stars). 2 submissions from 2 submitters: Uncertain significance (1). 1 of the submissions does not count toward it. Last evaluated 2021-08-30.

Conditions:
Duchenne muscular dystrophy (DMD). Also called: MUSCULAR DYSTROPHY, PSEUDOHYPERTROPHIC PROGRESSIVE, DUCHENNE TYPE; Duchenne Muscular Dystrophy (DMD). Identifiers: Orphanet 98896, MedGen C0013264, MONDO:0010679, OMIM 310200.
Dystrophin deficiency.
Becker muscular dystrophy (BMD). Also called: MUSCULAR DYSTROPHY, PSEUDOHYPERTROPHIC PROGRESSIVE, BECKER TYPE; Becker Muscular Dystrophy (BMD). Identifiers: Orphanet 98895, MedGen C0917713, MONDO:0010311, OMIM 300376.
Cardiomyopathy (CMYO). Also called: Cardiomyopathies. Identifiers: Orphanet 167848, MedGen C0878544, MONDO:0004994, HP:0001638. Inheritance: Various modes of inheritance.

Allele frequency attached by ClinVar (database versions not stated): TOPMed below 0.00001; gnomAD 0.00001.
gnomAD v4.1: 2 of 1,207,174 alleles (0.00017%); highest among the groups gnomAD compares: Non-Finnish European, 0.00011%; no homozygotes.

Submissions (2):

Labcorp Genetics (formerly Invitae), Labcorp
Classification: Uncertain significance for Duchenne muscular dystrophy. Last evaluated: 2021-08-30. Review status: criteria provided, single submitter. Criteria: Invitae Variant Classification Sherloc (09022015). Collection method: clinical testing. Allele origin: germline.
Comment: This sequence change replaces alanine with threonine at codon 247 of the DMD protein (p.Ala247Thr). The alanine residue is highly conserved and there is a small physicochemical difference between alanine and threonine. This variant is not present in population databases (ExAC no frequency). This variant has not been reported in the literature in individuals affected with DMD-related conditions. Algorithms developed to predict the effect of missense changes on protein structure and function are either unavailable or do not agree on the potential impact of this missense change (SIFT: "Tolerated"; PolyPhen-2: "Probably Damaging"; Align-GVGD: "Class C0"). In summary, the available evidence is currently insufficient to determine the role of this variant in disease. Therefore, it has been classified as a Variant of Uncertain Significance.

Natera, Inc.
Classification: Uncertain significance for Becker muscular dystrophy; Cardiomyopathy; Duchenne muscular dystrophy; Dystrophin deficiency. Last evaluated: 2019-11-14. Review status: no assertion criteria provided. Collection method: clinical testing. Allele origin: germline. Not counted in ClinVar's aggregate classification.